The following is an entry in ClinVar:

NM_000245.4(MET):c.1296T>C (p.Gly432=)

Gene: MET (MET proto-oncogene, receptor tyrosine kinase; plus strand). Cytogenetic location: 7q31.2.
Variant type: single nucleotide variant.
Coding change: c.1296T>C on transcript NM_000245.4 (MANE Select); coding-DNA position 1296, T replaced by C.
Protein change: p.Gly432=; no amino-acid change (glycine 432 retained).
Molecular consequence: synonymous variant.
Genome position (GRCh38, 1-based): chr7:116,731,763, T>C. VCF-style: chr7-116731763-T-C. GRCh37 (hg19) VCF-style: chr7-116371817-T-C.
Other names: c.1296T>C, p.Gly432= (NM_001127500.3, NM_001324401.3); c.6T>C, p.Gly2= (NM_001324402.2).
Identifiers: ClinVar variation 1560034 (VCV001560034.9), dbSNP rs200255054, ClinGen allele CA164865918.
Genomic context (GRCh38, chr7:116,731,763, plus strand): 5'-CCGTGATGAATATCGAACAGAGTTTACCACAGCTTTGCAGCGCGTTGACTTATTCATGGG[T>C]CAATTCAGCGAAGTCCTCTTAACATCTATATCCACCTTCATTAAAGGAGACCTCACCATA-3'
Protein context (NP_000236.2, residues 422-442): TALQRVDLFM[Gly432=]QFSEVLLTSI

ClinVar aggregate classification (germline): Benign/Likely benign. Review status: criteria provided, multiple submitters, no conflicts (2 of 4 stars). 2 submissions from 2 submitters: Benign (1); Likely benign (1). Last evaluated 2024-11-07.

Conditions:
Renal cell carcinoma. Identifiers: Orphanet 217071, MedGen C0007134, MeSH D002292, MONDO:0005086, HP:0005584.
Papillary renal cell carcinoma type 1 (RCCP1). Also called: Renal adenocarcinoma; Renal cell carcinoma 1; Renal cell carcinoma, somatic; RENAL CELL CARCINOMA, PAPILLARY, 1, SOMATIC. Identifiers: Orphanet 47044, MedGen C1336839, OMIM 605074, HP:0011797.

Allele frequency attached by ClinVar (database versions not stated): gnomAD exomes below 0.00001.
gnomAD v4.1: 2 of 1,614,132 alleles (0.00012%); highest among the groups gnomAD compares: Non-Finnish European, 0.00017%; no homozygotes.

Submissions (2):

Myriad Genetics, Inc.
Classification: Benign for Papillary renal cell carcinoma type 1. Last evaluated: 2024-11-07. Review status: criteria provided, single submitter. Criteria: Myriad Autosomal Dominant, Autosomal Recessive and X-Linked Classification Criteria (2023). Collection method: clinical testing. Allele origin: unknown.
Comment: This variant is considered benign. This variant is a silent/synonymous amino acid change and it is not expected to impact splicing.

Labcorp Genetics (formerly Invitae), Labcorp
Classification: Likely benign for Renal cell carcinoma. Last evaluated: 2023-12-15. Review status: criteria provided, single submitter. Criteria: Invitae Variant Classification Sherloc (09022015). Collection method: clinical testing. Allele origin: germline.